The following is an entry in ClinVar:

NM_001394998.1(TANC2):c.559A>G (p.Met187Val)

Gene: TANC2 (tetratricopeptide repeat, ankyrin repeat and coiled-coil containing 2; plus strand). Cytogenetic location: 17q23.3.
Variant type: single nucleotide variant.
Coding change: c.559A>G on transcript NM_001394998.1 (MANE Select); coding-DNA position 559, A replaced by G.
Protein change: p.Met187Val; replaces methionine 187 with valine.
Molecular consequence: missense variant.
Genome position (GRCh38, 1-based): chr17:63,194,116, A>G. VCF-style: chr17-63194116-A-G. GRCh37 (hg19) VCF-style: chr17-61271477-A-G.
Other names: c.337A>G, p.Met113Val (NM_001411076.1, NM_025185.4); short protein forms M113V, M187V.
Identifiers: ClinVar variation 4537745 (VCV004537745.1).
Genomic context (GRCh38, chr17:63,194,116, plus strand): 5'-CGTCTGGGTTTCCTCCTTGGAGAGAAAGTCACAGAAGTTCAGCCAGGTGACCAATACAGC[A>G]TGGAAGTACAGGATGAAAATCAGGTAAGCTGTTTGCTATCACCTTTGTGAAACATGGTGT-3'
Protein context (NP_001381927.1, residues 177-197): TEVQPGDQYS[Met187Val]EVQDENQTSA

ClinVar aggregate classification (germline): Uncertain significance (1 of 4 stars; one submission).

Submission:

GeneDx
Classification: Uncertain significance. Last evaluated: 2025-06-13. Review status: criteria provided, single submitter. Criteria: GeneDx Variant Classification Process June 2021. Collection method: clinical testing. Allele origin: germline. Affected: yes.
Comment: Not observed at significant frequency in large population cohorts (gnomAD); In silico analysis suggests that this missense variant does not alter protein structure/function; Has not been previously published as pathogenic or benign to our knowledge